The following is an entry in ClinVar:

ClinVar aggregate classification (germline): Uncertain significance (1 of 4 stars; one submission).

Conditions:
Pitt-Hopkins syndrome (PTHS). Also called: ENCEPHALOPATHY, SEVERE EPILEPTIC, WITH AUTONOMIC DYSFUNCTION; MENTAL RETARDATION, SYNDROMAL, WITH INTERMITTENT HYPERVENTILATION. Identifiers: Orphanet 2896, MedGen C1970431, MONDO:0012589, OMIM 610954.

Submission:

Labcorp Genetics (formerly Invitae), Labcorp
Classification: Uncertain significance for Pitt-Hopkins syndrome. Last evaluated: 2024-10-29. Review status: criteria provided, single submitter. Criteria: Invitae Variant Classification Sherloc (09022015). Collection method: clinical testing. Allele origin: germline.
Comment: This sequence change replaces serine, which is neutral and polar, with cysteine, which is neutral and slightly polar, at codon 264 of the TCF4 protein (p.Ser264Cys). This variant is not present in population databases (gnomAD no frequency). This variant has not been reported in the literature in individuals affected with TCF4-related conditions. ClinVar contains an entry for this variant (Variation ID: 2005866). An algorithm developed to predict the effect of missense changes on protein structure and function (PolyPhen-2) suggests that this variant is likely to be disruptive. In summary, the available evidence is currently insufficient to determine the role of this variant in disease. Therefore, it has been classified as a Variant of Uncertain Significance.

NM_001083962.2(TCF4):c.790A>T (p.Ser264Cys)

Genes: TCF4 (transcription factor 4; minus strand), LOC126862757 (CDK7 strongly-dependent group 2 enhancer GRCh37_chr18:52936433-52937632; plus strand). Cytogenetic location: 18q21.2.
Variant type: single nucleotide variant.
Coding change: c.790A>T on transcript NM_001083962.2 (MANE Select); coding-DNA position 790, A replaced by T.
Protein change: p.Ser264Cys; replaces serine 264 with cysteine.
Molecular consequence: missense variant.
Genome position (GRCh38, 1-based): chr18:55,269,963, T>A on the plus strand (A>T on the coding strand, the complement: TCF4 is on the minus strand). VCF-style: chr18-55269963-T-A. GRCh37 (hg19) VCF-style: chr18-52937194-T-A.
Other names: c.1096A>T, p.Ser366Cys (NM_001243226.3); c.718A>T, p.Ser240Cys (NM_001243227.2, NM_001348217.1, NM_001348218.2 and 9 more transcripts); c.808A>T, p.Ser270Cys (NM_001243228.2); c.784A>T, p.Ser262Cys (NM_001243230.2); c.664A>T, p.Ser222Cys (NM_001243231.2, NM_001348211.2); c.577A>T, p.Ser193Cys (NM_001243232.1, NM_001306208.1); c.400A>T, p.Ser134Cys (NM_001243233.2, NM_001330605.3, NM_001348212.2 and 1 more transcripts); c.310A>T, p.Ser104Cys (NM_001243234.2, NM_001348216.2, NM_001243235.2 and 2 more transcripts); and 4 more; short protein forms S104C, S134C, S193C, S239C, S263C, S222C, S270C, S240C.
Identifiers: ClinVar variation 2005866 (VCV002005866.4), dbSNP rs2512491883, ClinGen allele CA402701371.